The following is an entry in ClinVar:

NM_003737.4(DCHS1):c.1670C>A (p.Pro557His)

Gene: DCHS1 (dachsous cadherin-related 1; minus strand). Cytogenetic location: 11p15.4.
Variant type: single nucleotide variant.
Coding change: c.1670C>A on transcript NM_003737.4 (MANE Select); coding-DNA position 1670, C replaced by A.
Protein change: p.Pro557His; replaces proline 557 with histidine.
Molecular consequence: missense variant.
Genome position (GRCh38, 1-based): chr11:6,639,944, G>T on the plus strand (C>A on the coding strand, the complement: DCHS1 is on the minus strand). VCF-style: chr11-6639944-G-T. GRCh37 (hg19) VCF-style: chr11-6661175-G-T.
Other names: short protein forms P557H.
Identifiers: ClinVar variation 1713878 (VCV001713878.5), dbSNP rs372255060, ClinGen allele CA379430412.

ClinVar aggregate classification (germline): Uncertain significance (1 of 4 stars; one submission).

Allele frequency attached by ClinVar (database versions not stated): gnomAD 0.00001.
gnomAD v4.1: 22 of 1,613,940 alleles (0.0014%); highest among the groups gnomAD compares: Non-Finnish European, 0.0019%; no homozygotes.

Submission:

Labcorp Genetics (formerly Invitae), Labcorp
Classification: Uncertain significance. Last evaluated: 2025-02-27. Review status: criteria provided, single submitter. Criteria: Invitae Variant Classification Sherloc (09022015). Collection method: clinical testing. Allele origin: germline.
Comment: This sequence change replaces proline, which is neutral and non-polar, with histidine, which is basic and polar, at codon 557 of the DCHS1 protein (p.Pro557His). This variant is not present in population databases (gnomAD no frequency). This variant has not been reported in the literature in individuals affected with DCHS1-related conditions. ClinVar contains an entry for this variant (Variation ID: 1713878). Invitae Evidence Modeling of protein sequence and biophysical properties (such as structural, functional, and spatial information, amino acid conservation, physicochemical variation, residue mobility, and thermodynamic stability) indicates that this missense variant is not expected to disrupt DCHS1 protein function with a negative predictive value of 80%. In summary, the available evidence is currently insufficient to determine the role of this variant in disease. Therefore, it has been classified as a Variant of Uncertain Significance.